The following is an entry in ClinVar:

ClinVar aggregate classification (germline): Uncertain significance (1 of 4 stars; one submission).

Conditions:
Hereditary cancer-predisposing syndrome. Also called: Neoplastic Syndromes, Hereditary; Tumor predisposition; Hereditary neoplastic syndrome; Hereditary Cancer Syndrome. Identifiers: Orphanet 140162, MedGen C0027672, MeSH D009386, MONDO:0015356.

Allele frequency attached by ClinVar (database versions not stated): gnomAD exomes 0.00001.
gnomAD v4.1: 3 of 1,613,488 alleles (0.00019%); highest among the groups gnomAD compares: South Asian, 0.0033%; no homozygotes.

Submission:

Ambry Genetics
Classification: Uncertain significance for Hereditary cancer-predisposing syndrome. Last evaluated: 2023-09-20. Review status: criteria provided, single submitter. Criteria: Ambry Variant Classification Scheme 2023. Collection method: clinical testing. Allele origin: germline.
Comment: The p.Q684E variant (also known as c.2050C>G), located in coding exon 10 of the BRCA2 gene, results from a C to G substitution at nucleotide position 2050. The glutamine at codon 684 is replaced by glutamic acid, an amino acid with highly similar properties. This amino acid position is conserved. In addition, the in silico prediction for this alteration is inconclusive. Since supporting evidence is limited at this time, the clinical significance of this alteration remains unclear.

NM_000059.4(BRCA2):c.2050C>G (p.Gln684Glu)

Gene: BRCA2 (BRCA2 DNA repair associated; plus strand). Cytogenetic location: 13q13.1.
Variant type: single nucleotide variant.
Coding change: c.2050C>G on transcript NM_000059.4 (MANE Select); coding-DNA position 2050, C replaced by G.
Protein change: p.Gln684Glu; replaces glutamine 684 with glutamic acid.
Molecular consequence: missense variant. On other transcripts: non-coding transcript variant (1), intron variant (2).
Genome position (GRCh38, 1-based): chr13:32,336,405, C>G. VCF-style: chr13-32336405-C-G. GRCh37 (hg19) VCF-style: chr13-32910542-C-G.
Other names: c.2050C>G, p.Gln684Glu (NM_001406719.1, NM_001406720.1); c.1909+3018C>G (NM_001406721.1); c.424+5375C>G (NM_001406722.1); short protein forms Q684E.
Identifiers: ClinVar variation 3225649 (VCV003225649.1), dbSNP rs2072449598, ClinGen allele CA387768966.